The following is an entry in ClinVar:

NM_020066.5(FMN2):c.3351C>A (p.Gly1117=)

Gene: FMN2 (formin 2; plus strand). Cytogenetic location: 1q43.
Variant type: single nucleotide variant.
Coding change: c.3351C>A on transcript NM_020066.5 (MANE Select); coding-DNA position 3351, C replaced by A.
Protein change: p.Gly1117=; no amino-acid change (glycine 1117 retained).
Molecular consequence: synonymous variant. On other transcripts: intron variant (1).
Genome position (GRCh38, 1-based): chr1:240,208,163, C>A. VCF-style: chr1-240208163-C-A. GRCh37 (hg19) VCF-style: chr1-240371463-C-A.
Other names: c.3363C>A, p.Gly1121= (NM_001305424.2); c.1986+19901C>A (NM_001348094.2).
Identifiers: ClinVar variation 3234318 (VCV003234318.20), dbSNP rs768532717, ClinGen allele CA1477118.

ClinVar aggregate classification (germline): Likely benign (1 of 4 stars; one submission).

Allele frequency attached by ClinVar (database versions not stated): ExAC 0.00001.

Submission:

CeGaT Center for Human Genetics Tuebingen
Classification: Likely benign. Last evaluated: 2026-05-01. Review status: criteria provided, single submitter. Criteria: CeGaT Center For Human Genetics Tuebingen Variant Classification Criteria Version 2. Collection method: clinical testing. Allele origin: germline. Affected: yes. Observed: 2 variant alleles.
Comment: FMN2: BP4, BP7